The following is an entry in ClinVar:

NM_001291867.2(NHS):c.852G>C (p.Thr284=)

Gene: NHS (NHS actin remodeling regulator; plus strand). Cytogenetic location: Xp22.13.
Variant type: single nucleotide variant.
Coding change: c.852G>C on transcript NM_001291867.2 (MANE Select); coding-DNA position 852, G replaced by C.
Protein change: p.Thr284=; no amino-acid change (threonine 284 retained).
Molecular consequence: synonymous variant.
Genome position (GRCh38, 1-based): chrX:17,692,468, G>C. VCF-style: chrX-17692468-G-C. GRCh37 (hg19) VCF-style: chrX-17710588-G-C.
Other names: c.321G>C, p.Thr107= (NM_001136024.4, NM_001291868.2); c.852G>C, p.Thr284= (NM_198270.4).
Identifiers: ClinVar variation 3609891 (VCV003609891.2).

ClinVar aggregate classification (germline): Uncertain significance (1 of 4 stars; one submission).

Conditions:
Nance-Horan syndrome (NHS). Identifiers: Orphanet 627, MedGen C0796085, MONDO:0010545, OMIM 302350.

gnomAD v4.1: 1 of 1,210,281 alleles (0.000083%); highest among the groups gnomAD compares: Non-Finnish European, 0.00011%; no homozygotes.

Submission:

Labcorp Genetics (formerly Invitae), Labcorp
Classification: Uncertain significance for Nance-Horan syndrome. Last evaluated: 2024-12-12. Review status: criteria provided, single submitter. Criteria: Invitae Variant Classification Sherloc (09022015). Collection method: clinical testing. Allele origin: germline.
Comment: This sequence change affects codon 284 of the NHS mRNA. It is a 'silent' change, meaning that it does not change the encoded amino acid sequence of the NHS protein. This variant also falls at the last nucleotide of exon 3, which is part of the consensus splice site for this exon. This variant is not present in population databases (gnomAD no frequency). This variant has not been reported in the literature in individuals affected with NHS-related conditions. Variants that disrupt the consensus splice site are a relatively common cause of aberrant splicing (PMID: 17576681, 9536098). Algorithms developed to predict the effect of sequence changes on RNA splicing suggest that this variant is not likely to affect RNA splicing. In summary, the available evidence is currently insufficient to determine the role of this variant in disease. Therefore, it has been classified as a Variant of Uncertain Significance.

Literature cited by the submitters: PubMed 17576681; PubMed 9536098.